The following is an entry in ClinVar:

Conditions:
Breast-ovarian cancer, familial, susceptibility to, 1 (BROVCA1). Also called: BRCA1 Hereditary Breast and Ovarian Cancer; OVARIAN CANCER, SUSCEPTIBILITY TO. Identifiers: Orphanet 145, MedGen C2676676, MONDO:0011450, OMIM 604370. Disease mechanism: loss of function.

Submission:

Brotman Baty Institute, University of Washington
No classification provided (evidence only). Condition: Breast-ovarian cancer, familial 1. Review status: no classification provided. Collection method: in vitro. Allele origin: not applicable. Functional consequence: functionally_normal.
ClinVar note: "not provided" was previously submitted as the classification for the variant. However, the classification appeared to be based only on an observation of functional data so it was converted to no classification on 2025-07-30.

NM_007294.4(BRCA1):c.4956G>T (p.Met1652Ile)

Gene: BRCA1 (BRCA1 DNA repair associated; minus strand). Cytogenetic location: 17q21.31.
Variant type: single nucleotide variant.
Coding change: c.4956G>T on transcript NM_007294.4 (MANE Select); coding-DNA position 4956, G replaced by T.
Protein change: p.Met1652Ile; replaces methionine 1652 with isoleucine.
Molecular consequence: missense variant. On other transcripts: non-coding transcript variant (1).
Genome position (GRCh38, 1-based): chr17:43,070,958, C>A on the plus strand (G>T on the coding strand, the complement: BRCA1 is on the minus strand). VCF-style: chr17-43070958-C-A. GRCh37 (hg19) VCF-style: chr17-41222975-C-A.
Other names: c.4743G>T, p.Met1581Ile (NM_001407571.1, NM_001407895.1, NM_001407896.1 and 12 more transcripts); c.5022G>T, p.Met1674Ile (NM_001407581.1, NM_001407582.1); c.5019G>T, p.Met1673Ile (NM_001407583.1, NM_001407585.1, NM_001407587.1 and 1 more transcripts); c.5016G>T, p.Met1672Ile (NM_001407590.1, NM_001407591.1); c.4956G>T, p.Met1652Ile (NM_001407593.1, NM_001407594.1, NM_001407596.1 and 8 more transcripts); c.4953G>T, p.Met1651Ile (NM_001407610.1, NM_001407611.1, NM_001407612.1 and 17 more transcripts); c.4950G>T, p.Met1650Ile (NM_001407627.1, NM_001407628.1, NM_001407629.1 and 14 more transcripts); c.4947G>T, p.Met1649Ile (NM_001407644.1, NM_001407645.1); and 70 more; short protein forms M1605I, M1652I, M1673I, M548I, M1541I, M1581I, M1603I, M1604I.
Identifiers: ClinVar variation 868872 (VCV000868872.3), dbSNP rs1799967, ClinGen allele CA10591611.